The following is an entry in ClinVar:

NM_014314.4(RIGI):c.2605T>A (p.Cys869Ser)

Gene: RIGI (RNA sensor RIG-I; minus strand). Cytogenetic location: 9p21.1.
Variant type: single nucleotide variant.
Coding change: c.2605T>A on transcript NM_014314.4 (MANE Select); coding-DNA position 2605, T replaced by A.
Protein change: p.Cys869Ser; replaces cysteine 869 with serine.
Molecular consequence: missense variant.
Genome position (GRCh38, 1-based): chr9:32,457,295, A>T on the plus strand (T>A on the coding strand, the complement: RIGI is on the minus strand). VCF-style: chr9-32457295-A-T. GRCh37 (hg19) VCF-style: chr9-32457293-A-T.
Other names: c.2599T>A, p.Cys867Ser (NM_001385907.1); c.2434T>A, p.Cys812Ser (NM_001385909.1); c.2164T>A, p.Cys722Ser (NM_001385910.1); c.1996T>A, p.Cys666Ser (NM_001385912.1); c.2590T>A, p.Cys864Ser (NM_001385913.1); c.2161T>A, p.Cys721Ser (NM_001385914.1); short protein forms C666S, C721S, C812S, C864S, C867S, C869S, C722S.
Identifiers: ClinVar variation 3656883 (VCV003656883.2).
Genomic context (GRCh38, chr9:32,457,295, plus strand): 5'-TTTTTATAACTGGAATCTCAAATGTCTTGTACTTCACATGGATTCCCCAGTCATGGCTGC[A>T]GTTCTGTCGGGCACAGAATATCTTTGCTCTTTTTTCAAAACTTGAAAACTGCTTTGGCTT-3'
Protein context (NP_055129.2, residues 859-879): RAKIFCARQN[Cys869Ser]SHDWGIHVKY

ClinVar aggregate classification (germline): Uncertain significance (1 of 4 stars; one submission).

Submission:

Labcorp Genetics (formerly Invitae), Labcorp
Classification: Uncertain significance. Last evaluated: 2024-06-17. Review status: criteria provided, single submitter. Criteria: Invitae Variant Classification Sherloc (09022015). Collection method: clinical testing. Allele origin: germline.
Comment: This sequence change replaces cysteine, which is neutral and slightly polar, with serine, which is neutral and polar, at codon 869 of the DDX58 protein (p.Cys869Ser). This variant is not present in population databases (gnomAD no frequency). This variant has not been reported in the literature in individuals affected with DDX58-related conditions. Advanced modeling of protein sequence and biophysical properties (such as structural, functional, and spatial information, amino acid conservation, physicochemical variation, residue mobility, and thermodynamic stability) performed at Invitae indicates that this missense variant is expected to disrupt DDX58 protein function with a positive predictive value of 80%. In summary, the available evidence is currently insufficient to determine the role of this variant in disease. Therefore, it has been classified as a Variant of Uncertain Significance.